The following is an entry in ClinVar:

ClinVar aggregate classification (germline): Uncertain significance (1 of 4 stars; one submission).

Allele frequency attached by ClinVar (database versions not stated): ExAC 0.00002; ESP Exome Variant Server 0.00015.
gnomAD v4.1: 47 of 1,611,224 alleles (0.0029%); highest among the groups gnomAD compares: Middle Eastern, 0.049%; no homozygotes.

Submission:

Labcorp Genetics (formerly Invitae), Labcorp
Classification: Uncertain significance. Last evaluated: 2025-03-12. Review status: criteria provided, single submitter. Criteria: Invitae Variant Classification Sherloc (09022015). Collection method: clinical testing. Allele origin: germline.
Comment: This sequence change falls in intron 24 of the MAST1 gene. It does not directly change the encoded amino acid sequence of the MAST1 protein. This variant is present in population databases (rs376850771, gnomAD 0.003%). This variant has not been reported in the literature in individuals affected with MAST1-related conditions. ClinVar contains an entry for this variant (Variation ID: 2190894). Algorithms developed to predict the effect of sequence changes on RNA splicing suggest that this variant may disrupt the consensus splice site. In summary, the available evidence is currently insufficient to determine the role of this variant in disease. Therefore, it has been classified as a Variant of Uncertain Significance.

NM_014975.3(MAST1):c.3264-5C>G

Gene: MAST1 (microtubule associated serine/threonine kinase 1; plus strand). Cytogenetic location: 19p13.13.
Variant type: single nucleotide variant.
Coding change: c.3264-5C>G on transcript NM_014975.3 (MANE Select); 5 bases into the intron before coding-DNA position 3264, C replaced by G.
Molecular consequence: intron variant.
Genome position (GRCh38, 1-based): chr19:12,873,319, C>G. VCF-style: chr19-12873319-C-G. GRCh37 (hg19) VCF-style: chr19-12984133-C-G.
Identifiers: ClinVar variation 2190894 (VCV002190894.4), dbSNP rs376850771, ClinGen allele CA9233382.
Genomic context (GRCh38, chr19:12,873,319, plus strand): 5'-AATGGGAGGAGCCCTGAGCTCTGGCGTCCAGGTCAAGGACGCTTGGCCCCCTCCCTGTCC[C>G]GCAGCAAGAAGCGCAGCTCCCTCTTCCGGAAGATCACGAAGCAGTCGAACCTGCTGCATA-3'